The following is an entry in ClinVar:

NM_001276345.2(TNNT2):c.53-9del

Gene: TNNT2 (troponin T2, cardiac type; minus strand). Cytogenetic location: 1q32.1.
Variant type: Deletion.
Coding change: c.53-9del on transcript NM_001276345.2 (MANE Select); 9 bases into the intron before coding-DNA position 53, one base deleted (T; older notation c.53-9delT).
Molecular consequence: intron variant.
Genome position (GRCh38, 1-based): chr1:201,372,050, A deleted on the plus strand (T on the coding strand, the reverse complement: TNNT2 is on the minus strand); the first of 2 consecutive A bases (chr1:201,372,050-201,372,051); deleting either gives the same sequence. VCF-style (leftmost placement, unchanged base first): chr1-201372049-GA-G. GRCh37 (hg19) VCF-style: chr1-201341177-GA-G.
Other names: c.53-9del (NM_001406727.1, NM_001406724.1, NM_001406725.1 and 7 more transcripts); c.52+95del (NM_001001432.3, NM_001406728.1).
Identifiers: ClinVar variation 3071020 (VCV003071020.1), dbSNP rs2527137743, ClinGen allele CA2747347497.
Genomic context (GRCh38, chr1:201,372,049, plus strand): 5'-TGCCCCTTTCTGGCTCTCCACCTGCCTGAGGCACATACCTTCAACAGCTGCTTCTGCTCA[GA>G]AGAGAAGTCCAGGCAGCAAGAGAAGAGAGAAGAGGTGGGTCAGTTTCGAACCAGGCTGTC-3'

ClinVar aggregate classification (germline): Uncertain significance (1 of 4 stars; one submission).

Conditions:
Cardiomyopathy (CMYO). Also called: Cardiomyopathies. Identifiers: Orphanet 167848, MedGen C0878544, MONDO:0004994, HP:0001638. Inheritance: Various modes of inheritance.

Submission:

All of Us Research Program, National Institutes of Health
Classification: Uncertain significance for Cardiomyopathy. Last evaluated: 2023-05-16. Review status: criteria provided, single submitter. Criteria: ACMG Guidelines, 2015. Collection method: clinical testing. Allele origin: germline. Inheritance: Autosomal dominant inheritance. Observed: 1 variant allele, 1 heterozygote.
Comment: This variant causes a deletion of one nucleotide in intron 3 of the TNNT2 gene. To our knowledge, functional studies have not been reported for this variant. This variant has not been reported in individuals affected with TNNT2-related disorders in the literature. This variant has not been identified in the general population by the Genome Aggregation Database (gnomAD). The available evidence is insufficient to determine the role of this variant in disease conclusively. Therefore, this variant is classified as a Variant of Uncertain Significance.

This study involves interpretation of variants in research participants for the purpose of population health screening. Participant phenotype was not available at the time of variant classification. Additional details can be found in publication PMID: 35346344, PMCID: PMC8962531